The following is an entry in ClinVar:

NM_000388.4(CASR):c.1895G>C (p.Gly632Ala)

Gene: CASR (calcium sensing receptor; plus strand). Cytogenetic location: 3q21.1.
Variant type: single nucleotide variant.
Coding change: c.1895G>C on transcript NM_000388.4 (MANE Select); coding-DNA position 1895, G replaced by C.
Protein change: p.Gly632Ala; replaces glycine 632 with alanine.
Molecular consequence: missense variant.
Genome position (GRCh38, 1-based): chr3:122,283,849, G>C. VCF-style: chr3-122283849-G-C. GRCh37 (hg19) VCF-style: chr3-122002696-G-C.
Other names: c.1925G>C, p.Gly642Ala (NM_001178065.2); short protein forms G642A, G632A.
Identifiers: ClinVar variation 1782142 (VCV001782142.2), dbSNP rs2074924560, ClinGen allele CA354157873.

ClinVar aggregate classification (germline): Uncertain significance (1 of 4 stars; one submission).

Conditions:
Nephrolithiasis/nephrocalcinosis. Identifiers: MedGen CN580796.

Submission:

Ambry Genetics
Classification: Uncertain significance for Nephrolithiasis/nephrocalcinosis. Last evaluated: 2022-05-04. Review status: criteria provided, single submitter. Criteria: Ambry Variant Classification Scheme 2023. Collection method: clinical testing. Allele origin: germline.
Comment: The p.G632A variant (also known as c.1895G>C), located in coding exon 6 of the CASR gene, results from a G to C substitution at nucleotide position 1895. The glycine at codon 632 is replaced by alanine, an amino acid with similar properties. This amino acid position is conserved. In addition, the in silico prediction for this alteration is inconclusive. Since supporting evidence is limited at this time, the clinical significance of this alteration remains unclear.